The following is an entry in ClinVar:

NM_032409.3(PINK1):c.936G>A (p.Arg312=)

Genes: PINK1 (PTEN induced kinase 1; plus strand), PINK1-AS (PINK1 antisense RNA; minus strand). Cytogenetic location: 1p36.12.
Variant type: single nucleotide variant.
Coding change: c.936G>A on transcript NM_032409.3 (MANE Select); coding-DNA position 936, G replaced by A.
Protein change: p.Arg312=; no amino-acid change (arginine 312 retained).
Molecular consequence: synonymous variant.
Genome position (GRCh38, 1-based): chr1:20,644,649, G>A. VCF-style: chr1-20644649-G-A. GRCh37 (hg19) VCF-style: chr1-20971142-G-A.
Other names: p.Arg312=.
Identifiers: ClinVar variation 295002 (VCV000295002.47), dbSNP rs56200357, ClinGen allele CA660582.

ClinVar aggregate classification (germline): Conflicting classifications of pathogenicity. Review status: criteria provided, conflicting classifications (1 of 4 stars). 6 submissions from 6 submitters: Uncertain significance (1); Benign (3); Likely benign (2). Last evaluated 2026-01-07.

Conditions:
PINK1-related disorder. Also called: PINK1-related condition.
Autosomal recessive early-onset Parkinson disease 6 (PARK6). Also called: PINK1-Related Parkinson Disease; PARKINSON DISEASE 6, MODIFIER OF; PINK1 Type of Young-Onset Parkinson Disease; PARKINSON DISEASE 6, EARLY-ONSET. Identifiers: Orphanet 2828, MedGen C1853833, MONDO:0011613, OMIM 605909.

Allele frequency attached by ClinVar (database versions not stated): 1000 Genomes Project 30x 0.00016; 1000 Genomes Project 0.00020; gnomAD exomes 0.00068 and 0.00158; ESP Exome Variant Server 0.00077; gnomAD 0.00090 and 0.00091; TOPMed 0.00111; ExAC 0.00154.
gnomAD v4.1: 1,203 of 1,614,226 alleles (0.075%); highest among the groups gnomAD compares: Admixed American, 0.38%; 7 homozygotes.

Submissions (6):

Labcorp Genetics (formerly Invitae), Labcorp
Classification: Benign for Autosomal recessive early-onset Parkinson disease 6. Last evaluated: 2026-01-07. Review status: criteria provided, single submitter. Criteria: Invitae Variant Classification Sherloc (09022015). Collection method: clinical testing. Allele origin: germline.

PreventionGenetics, part of Exact Sciences
Classification: Likely benign for PINK1-related condition. Last evaluated: 2025-11-24. Review status: criteria provided, single submitter. Criteria: ACMG Guidelines, 2015. Collection method: clinical testing. Allele origin: germline.
Comment: This variant is classified as likely benign based on ACMG/AMP sequence variant interpretation guidelines (Richards et al. 2015 PMID: 25741868, with internal and published modifications).

CeGaT Center for Human Genetics Tuebingen
Classification: Likely benign. Last evaluated: 2024-10-01. Review status: criteria provided, single submitter. Criteria: CeGaT Center For Human Genetics Tuebingen Variant Classification Criteria Version 2. Collection method: clinical testing. Allele origin: germline. Affected: yes. Observed: 2 variant alleles.
Comment: PINK1: BP4, BP7

Mayo Clinic Laboratories, Mayo Clinic
Classification: Benign. Last evaluated: 2024-03-14. Review status: criteria provided, single submitter. Criteria: ACMG Guidelines, 2015. Collection method: clinical testing. Allele origin: germline. Observed: 2 variant alleles.
Comment: BS1, BS2, BP4, BP7

Athena Diagnostics
Classification: Benign. Last evaluated: 2018-05-30. Review status: criteria provided, single submitter. Criteria: Athena Diagnostics Criteria. Collection method: clinical testing. Allele origin: germline.

Illumina Laboratory Services, Illumina
Classification: Uncertain significance for Autosomal recessive early-onset Parkinson disease 6. Last evaluated: 2018-01-12. Review status: criteria provided, single submitter. Criteria: ICSL Variant Classification Criteria 13 December 2019. Collection method: clinical testing. Allele origin: germline.